The following is an entry in ClinVar:

ClinVar aggregate classification (germline): Likely pathogenic (1 of 4 stars; one submission).

Submission:

Labcorp Genetics (formerly Invitae), Labcorp
Classification: Likely pathogenic. Last evaluated: 2024-01-03. Review status: criteria provided, single submitter. Criteria: Invitae Variant Classification Sherloc (09022015). Collection method: clinical testing. Allele origin: germline.
Comment: This sequence change replaces glycine, which is neutral and non-polar, with arginine, which is basic and polar, at codon 57 of the FGF12 protein (p.Gly57Arg). This variant is not present in population databases (gnomAD no frequency). This missense change has been observed in individual(s) with clinical features of FGF12-related conditions (Invitae). In at least one individual the variant was observed to be de novo. Advanced modeling of protein sequence and biophysical properties (such as structural, functional, and spatial information, amino acid conservation, physicochemical variation, residue mobility, and thermodynamic stability) performed at Invitae indicates that this missense variant is not expected to disrupt FGF12 protein function with a negative predictive value of 80%. In summary, the currently available evidence indicates that the variant is pathogenic, but additional data are needed to prove that conclusively. Therefore, this variant has been classified as Likely Pathogenic.

NM_004113.6(FGF12):c.14-47517G>C

Gene: FGF12 (fibroblast growth factor 12; minus strand). Cytogenetic location: 3q28.
Variant type: single nucleotide variant.
Coding change: c.14-47517G>C on transcript NM_004113.6 (MANE Select); 47517 bases into the intron before coding-DNA position 14, G replaced by C.
Molecular consequence: intron variant. On other transcripts: missense variant (1).
Genome position (GRCh38, 1-based): chr3:192,408,055, C>G on the plus strand (G>C on the coding strand, the complement: FGF12 is on the minus strand). VCF-style: chr3-192408055-C-G. GRCh37 (hg19) VCF-style: chr3-192125844-C-G.
Other names: c.169G>C, p.Gly57Arg (NM_021032.5); c.-59-47517G>C (NM_001377293.1); c.14-72591G>C (NM_001377292.1); c.-60+1457G>C (NM_001377294.1); short protein forms G57R.
Identifiers: ClinVar variation 2759507 (VCV002759507.3), dbSNP rs779788156, ClinGen allele CA355866588.
Genomic context (GRCh38, chr3:192,408,055, plus strand): 5'-GGGGAGCCCACTCTCCGGGCTTCTACTGACCTGGTCTCCGCCTCACCGGCCTCTTGCGGC[C>G]GCTGCAGAAGCGCACTTTGCTGAACACCCCGAGGACGTGCCTCTCGCACAGGGAGCGCCC-3'